The following is an entry in ClinVar:

ClinVar aggregate classification (germline): Uncertain significance. Review status: criteria provided, multiple submitters, no conflicts (2 of 4 stars). 2 submissions from 2 submitters: Uncertain significance (2). Last evaluated 2025-06-27.

Conditions:
Inborn genetic diseases. Identifiers: MedGen C0950123, MeSH D030342.

Allele frequency attached by ClinVar (database versions not stated): ExAC 0.00002; TOPMed 0.00002; gnomAD 0.00003; gnomAD exomes 0.00003.
gnomAD v4.1: 46 of 1,613,934 alleles (0.0029%); highest among the groups gnomAD compares: Middle Eastern, 0.016%; no homozygotes.

Submissions (2):

Labcorp Genetics (formerly Invitae), Labcorp
Classification: Uncertain significance. Last evaluated: 2025-06-27. Review status: criteria provided, single submitter. Criteria: Invitae Variant Classification Sherloc (09022015). Collection method: clinical testing. Allele origin: germline.
Comment: This sequence change replaces arginine, which is basic and polar, with histidine, which is basic and polar, at codon 2651 of the COL7A1 protein (p.Arg2651His). This variant is present in population databases (rs200377733, gnomAD 0.007%). This variant has not been reported in the literature in individuals affected with COL7A1-related conditions. ClinVar contains an entry for this variant (Variation ID: 2173836). Invitae Evidence Modeling of protein sequence and biophysical properties (such as structural, functional, and spatial information, amino acid conservation, physicochemical variation, residue mobility, and thermodynamic stability) has been performed for this missense variant. However, the output from this modeling did not meet the statistical confidence thresholds required to predict the impact of this variant on COL7A1 protein function. In summary, the available evidence is currently insufficient to determine the role of this variant in disease. Therefore, it has been classified as a Variant of Uncertain Significance.

Ambry Genetics
Classification: Uncertain significance for Inborn genetic diseases. Last evaluated: 2025-04-07. Review status: criteria provided, single submitter. Criteria: Ambry Variant Classification Scheme 2023. Collection method: clinical testing. Allele origin: germline.

NM_000094.4(COL7A1):c.7952G>A (p.Arg2651His)

Gene: COL7A1 (collagen type VII alpha 1 chain; minus strand). Cytogenetic location: 3p21.31.
Variant type: single nucleotide variant.
Coding change: c.7952G>A on transcript NM_000094.4 (MANE Select); coding-DNA position 7952, G replaced by A.
Protein change: p.Arg2651His; replaces arginine 2651 with histidine.
Molecular consequence: missense variant.
Genome position (GRCh38, 1-based): chr3:48,567,741, C>T on the plus strand (G>A on the coding strand, the complement: COL7A1 is on the minus strand). VCF-style: chr3-48567741-C-T. GRCh37 (hg19) VCF-style: chr3-48605174-C-T.
Other names: short protein forms R2651H.
Identifiers: ClinVar variation 2173836 (VCV002173836.5), dbSNP rs200377733, ClinGen allele CA2378233.